The following is an entry in ClinVar:

NM_005956.4(MTHFD1):c.1213G>A (p.Val405Ile)

Gene: MTHFD1 (methylenetetrahydrofolate dehydrogenase, cyclohydrolase and formyltetrahydrofolate synthetase 1; plus strand). Cytogenetic location: 14q23.3.
Variant type: single nucleotide variant.
Coding change: c.1213G>A on transcript NM_005956.4 (MANE Select); coding-DNA position 1213, G replaced by A.
Protein change: p.Val405Ile; replaces valine 405 with isoleucine.
Molecular consequence: missense variant.
Genome position (GRCh38, 1-based): chr14:64,427,422, G>A. VCF-style: chr14-64427422-G-A. GRCh37 (hg19) VCF-style: chr14-64894140-G-A.
Other names: c.1213G>A, p.Val405Ile (NM_001364837.1); short protein forms V405I.
Identifiers: ClinVar variation 1475768 (VCV001475768.6), dbSNP rs2078126648, ClinGen allele CA389989220.
Genomic context (GRCh38, chr14:64,427,422, plus strand): 5'-GGGAAAAGCACAACTACAATCGGGCTAGTGCAAGCCCTTGGTGCCCATCTCTACCAGAAT[G>A]TCTTTGCGTGTGTGCGACAGCCTTCTCAGGGCCCCACCTTTGGAATAAAAGGTACTAGTG-3'
Protein context (NP_005947.3, residues 395-415): QALGAHLYQN[Val405Ile]FACVRQPSQG

ClinVar aggregate classification (germline): Uncertain significance (1 of 4 stars; one submission).

Allele frequency attached by ClinVar (database versions not stated): gnomAD 0.00001.
gnomAD v4.1: 1 of 1,614,098 alleles (0.000062%); highest among the groups gnomAD compares: Admixed American, 0.0017%; no homozygotes.

Submission:

Labcorp Genetics (formerly Invitae), Labcorp
Classification: Uncertain significance. Last evaluated: 2024-02-05. Review status: criteria provided, single submitter. Criteria: Invitae Variant Classification Sherloc (09022015). Collection method: clinical testing. Allele origin: germline.
Comment: This sequence change replaces valine, which is neutral and non-polar, with isoleucine, which is neutral and non-polar, at codon 405 of the MTHFD1 protein (p.Val405Ile). This variant is not present in population databases (gnomAD no frequency). This variant has not been reported in the literature in individuals affected with MTHFD1-related conditions. ClinVar contains an entry for this variant (Variation ID: 1475768). Advanced modeling of protein sequence and biophysical properties (such as structural, functional, and spatial information, amino acid conservation, physicochemical variation, residue mobility, and thermodynamic stability) performed at Invitae indicates that this missense variant is not expected to disrupt MTHFD1 protein function with a negative predictive value of 80%. In summary, the available evidence is currently insufficient to determine the role of this variant in disease. Therefore, it has been classified as a Variant of Uncertain Significance.